The following is an entry in ClinVar:

NM_001844.5(COL2A1):c.2532G>T (p.Gln844His)

Gene: COL2A1 (collagen type II alpha 1 chain; minus strand). Cytogenetic location: 12q13.11.
Variant type: single nucleotide variant.
Coding change: c.2532G>T on transcript NM_001844.5 (MANE Select); coding-DNA position 2532, G replaced by T.
Protein change: p.Gln844His; replaces glutamine 844 with histidine.
Molecular consequence: missense variant.
Genome position (GRCh38, 1-based): chr12:47,980,647, C>A on the plus strand (G>T on the coding strand, the complement: COL2A1 is on the minus strand). VCF-style: chr12-47980647-C-A. GRCh37 (hg19) VCF-style: chr12-48374430-C-A.
Other names: c.2325G>T, p.Gln775His (NM_033150.3); short protein forms Q775H, Q844H.
Identifiers: ClinVar variation 3381734 (VCV003381734.1).

ClinVar aggregate classification (germline): Uncertain significance (1 of 4 stars; one submission).

Submission:

GeneDx
Classification: Uncertain significance. Last evaluated: 2024-05-21. Review status: criteria provided, single submitter. Criteria: GeneDx Variant Classification Process June 2021. Collection method: clinical testing. Allele origin: germline. Affected: yes.
Comment: Not observed at significant frequency in large population cohorts (gnomAD); In silico analysis supports that this missense variant has a deleterious effect on protein structure/function; Has not been previously published as pathogenic or benign to our knowledge; Occurs in the triple helical domain at the X position in the canonical Gly-X-Y repeat; although this variant may have an effect on normal protein folding and function, missense substitution at the X position is not a common mechanism of disease (HGMD)